The following is an entry in ClinVar:

NM_206933.4(USH2A):c.7497T>C (p.Asp2499=)

Gene: USH2A (usherin; minus strand). Cytogenetic location: 1q41.
Variant type: single nucleotide variant.
Coding change: c.7497T>C on transcript NM_206933.4 (MANE Select); coding-DNA position 7497, T replaced by C.
Protein change: p.Asp2499=; no amino-acid change (aspartic acid 2499 retained).
Molecular consequence: synonymous variant.
Genome position (GRCh38, 1-based): chr1:215,900,172, A>G on the plus strand (T>C on the coding strand, the complement: USH2A is on the minus strand). VCF-style: chr1-215900172-A-G. GRCh37 (hg19) VCF-style: chr1-216073514-A-G.
Identifiers: ClinVar variation 4534756 (VCV004534756.6).

ClinVar aggregate classification (germline): Likely benign (1 of 4 stars; one submission).

Submission:

CeGaT Center for Human Genetics Tuebingen
Classification: Likely benign. Last evaluated: 2026-04-01. Review status: criteria provided, single submitter. Criteria: CeGaT Center For Human Genetics Tuebingen Variant Classification Criteria Version 2. Collection method: clinical testing. Allele origin: germline. Affected: yes. Observed: 2 variant alleles.
Comment: USH2A: PM2:Supporting, BP4, BP7